The following is an entry in ClinVar:

NM_001042492.3(NF1):c.2378del (p.Asn793fs)

Gene: NF1 (neurofibromin 1; plus strand). Cytogenetic location: 17q11.2.
Variant type: Deletion.
Coding change: c.2378del on transcript NM_001042492.3 (MANE Select); coding-DNA position 2378, one base deleted (A; older notation c.2378delA).
Protein change: p.Asn793fs; shifts the reading frame from asparagine 793.
Molecular consequence: frameshift variant.
Genome position (GRCh38, 1-based): chr17:31,227,575, A deleted; the last of 2 consecutive A bases (chr17:31,227,574-31,227,575); deleting either gives the same sequence. VCF-style (leftmost placement, unchanged base first): chr17-31227573-TA-T. GRCh37 (hg19) VCF-style: chr17-29554591-TA-T.
Other names: c.2378del, p.Asn793fs (NM_000267.4); c.2378del (NM_000267.3); short protein forms N793fs.
Identifiers: ClinVar variation 4759300 (VCV004759300.2).

ClinVar aggregate classification (germline): Pathogenic/Likely pathogenic. Review status: criteria provided, multiple submitters, no conflicts (2 of 4 stars). 2 submissions from 2 submitters: Pathogenic (1); Likely pathogenic (1). Last evaluated 2026-02-11.

Conditions:
Neurofibromatosis, type 1 (NF1). Also called: VON RECKLINGHAUSEN DISEASE; Neurofibromatosis, type I; NEUROFIBROMATOSIS, TYPE I, SOMATIC; Peripheral type neurofibromatosis. Identifiers: Orphanet 636, MedGen C0027831, MONDO:0018975, OMIM 162200. Disease mechanism: loss of function.

Submissions (2):

St. Jude Molecular Pathology, St. Jude Children's Research Hospital
Classification: Pathogenic for Neurofibromatosis, type 1. Last evaluated: 2026-02-11. Review status: criteria provided, single submitter. Criteria: St. Jude Assertion Criteria 2020. Collection method: clinical testing. Allele origin: germline.
Comment: The NF1 c.2378del p.(Asn793ThrfsTer28) change deletes one nucleotide to cause a frameshift and the creation of a premature stop codon. This change is predicted to cause protein truncation or absence of the protein due to nonsense-mediated decay. This variant is absent in gnomAD v2.1.1. In summary, this variant meets criteria to be classified as pathogenic.

Institute for Genomic Medicine (IGM) Clinical Laboratory, Nationwide Children's Hospital
Classification: Likely pathogenic for Neurofibromatosis, type 1. Last evaluated: 2025-02-05. Review status: criteria provided, single submitter. Criteria: ACMG Guidelines, 2015. Collection method: clinical testing. Allele origin: germline.
Comment: This variant is predicted to result in loss of function through nonsense-mediated decay of the encoded transcript or premature truncation of the encoded protein in a gene in which loss of function is a known mechanism of disease (ACMG/AMP: PVS1; PMIDs:10712197, 10862084, 16835897, 16944272, 23668869). This variant is absent from or present at an exceedingly low frequency in gnomAD, a large-scale control population database (ACMG/AMP: PM2).

Literature cited by the submitters: PubMed 10712197 (cited by Institute for Genomic Medicine (IGM) Clinical Laboratory, Nationwide Children's Hospital); PubMed 10862084 (cited by Institute for Genomic Medicine (IGM) Clinical Laboratory, Nationwide Children's Hospital); PubMed 16835897 (cited by Institute for Genomic Medicine (IGM) Clinical Laboratory, Nationwide Children's Hospital); PubMed 16944272 (cited by Institute for Genomic Medicine (IGM) Clinical Laboratory, Nationwide Children's Hospital); PubMed 23668869 (cited by Institute for Genomic Medicine (IGM) Clinical Laboratory, Nationwide Children's Hospital).